The following is an entry in ClinVar:

NM_000452.3(SLC10A2):c.800C>T (p.Thr267Met)

Gene: SLC10A2 (solute carrier family 10 member 2; minus strand). Cytogenetic location: 13q33.1.
Variant type: single nucleotide variant.
Coding change: c.800C>T on transcript NM_000452.3 (MANE Select); coding-DNA position 800, C replaced by T.
Protein change: p.Thr267Met; replaces threonine 267 with methionine.
Molecular consequence: missense variant.
Genome position (GRCh38, 1-based): chr13:103,049,408, G>A on the plus strand (C>T on the coding strand, the complement: SLC10A2 is on the minus strand). VCF-style: chr13-103049408-G-A. GRCh37 (hg19) VCF-style: chr13-103701758-G-A.
Other names: c.800C>T (NM_000452.2); short protein forms T267M.
Identifiers: ClinVar variation 598232 (VCV000598232.10), dbSNP rs146712120, ClinGen allele CA7042040.

ClinVar aggregate classification (germline): Uncertain significance. Review status: criteria provided, multiple submitters, no conflicts (2 of 4 stars). 3 submissions from 3 submitters: Uncertain significance (3). Last evaluated 2025-12-09.

Conditions:
SLC10A2-related disorder. Also called: SLC10A2-related condition.

Allele frequency attached by ClinVar (database versions not stated): ExAC 0.00005; TOPMed 0.00005; gnomAD 0.00006 and 0.00007; gnomAD exomes 0.00006 and 0.00010; ESP Exome Variant Server 0.00023.

Submissions (3):

Labcorp Genetics (formerly Invitae), Labcorp
Classification: Uncertain significance. Last evaluated: 2025-12-09. Review status: criteria provided, single submitter. Criteria: Invitae Variant Classification Sherloc (09022015). Collection method: clinical testing. Allele origin: germline.
Comment: This sequence change replaces threonine, which is neutral and polar, with methionine, which is neutral and non-polar, at codon 267 of the SLC10A2 protein (p.Thr267Met). This variant is present in population databases (rs146712120, gnomAD 0.01%). This variant has not been reported in the literature in individuals affected with SLC10A2-related conditions. ClinVar contains an entry for this variant (Variation ID: 598232). Invitae Evidence Modeling of protein sequence and biophysical properties (such as structural, functional, and spatial information, amino acid conservation, physicochemical variation, residue mobility, and thermodynamic stability) indicates that this missense variant is not expected to disrupt SLC10A2 protein function with a negative predictive value of 80%. In summary, the available evidence is currently insufficient to determine the role of this variant in disease. Therefore, it has been classified as a Variant of Uncertain Significance.

PreventionGenetics, part of Exact Sciences
Classification: Uncertain significance for SLC10A2-related condition. Last evaluated: 2024-10-09. Review status: criteria provided, single submitter. Criteria: ACMG Guidelines, 2015. Collection method: clinical testing. Allele origin: germline.
Comment: The SLC10A2 c.800C>T variant is predicted to result in the amino acid substitution p.Thr267Met. To our knowledge, this variant has not been reported in the literature. This variant is reported in 0.010% of alleles in individuals of European (Non-Finnish) descent in gnomAD. At this time, the clinical significance of this variant is uncertain due to the absence of conclusive functional and genetic evidence.

Eurofins Ntd Llc (ga)
Classification: Uncertain significance. Last evaluated: 2018-07-31. Review status: criteria provided, single submitter. Criteria: EGL ClinVar v180209 classification definitions. Collection method: clinical testing. Allele origin: germline. Observed: 1 variant allele, 1 heterozygote.